The following is an entry in ClinVar:

NM_014000.3(VCL):c.582G>A (p.Ser194=)

Gene: VCL (vinculin; plus strand). Cytogenetic location: 10q22.2.
Variant type: single nucleotide variant.
Coding change: c.582G>A on transcript NM_014000.3 (MANE Select); coding-DNA position 582, G replaced by A.
Protein change: p.Ser194=; no amino-acid change (serine 194 retained).
Molecular consequence: synonymous variant.
Genome position (GRCh38, 1-based): chr10:74,072,812, G>A. VCF-style: chr10-74072812-G-A. GRCh37 (hg19) VCF-style: chr10-75832570-G-A.
Other names: c.582G>A, p.Ser194= (NM_003373.4).
Identifiers: ClinVar variation 388963 (VCV000388963.13), dbSNP rs773725513, ClinGen allele CA5562803.
Genomic context (GRCh38, chr10:74,072,812, plus strand): 5'-GATTGACGAGAGACAGCAGGAGCTCACTCACCAGGAGCACCGAGTGATGTTGGTGAACTC[G>A]ATGAACACCGTGAAAGAGTTGCTGCCAGTTCTCATTTCAGGTACTTCCTGCCTGTACTTT-3'
Protein context (NP_054706.1, residues 184-204): HQEHRVMLVN[Ser194=]MNTVKELLPV

ClinVar aggregate classification (germline): Likely benign. Review status: criteria provided, multiple submitters, no conflicts (2 of 4 stars). 4 submissions from 4 submitters: Likely benign (4). Last evaluated 2024-01-15.

Conditions:
Cardiovascular phenotype. Identifiers: MedGen CN230736.
Dilated cardiomyopathy 1W (CMD1W). Identifiers: Orphanet 154, MedGen C1969639, MONDO:0012667, OMIM 611407.

Allele frequency attached by ClinVar (database versions not stated): ExAC 0.00001; gnomAD exomes 0.00001; gnomAD 0.00002; TOPMed 0.00003.
gnomAD v4.1: 40 of 1,614,028 alleles (0.0025%); highest among the groups gnomAD compares: African/African-American, 0.008%; no homozygotes.

Submissions (4):

Labcorp Genetics (formerly Invitae), Labcorp
Classification: Likely benign for Dilated cardiomyopathy 1W. Last evaluated: 2024-01-15. Review status: criteria provided, single submitter. Criteria: Invitae Variant Classification Sherloc (09022015). Collection method: clinical testing. Allele origin: germline.

Ambry Genetics
Classification: Likely benign for Cardiovascular phenotype. Last evaluated: 2021-05-18. Review status: criteria provided, single submitter. Criteria: Ambry Variant Classification Scheme 2023. Collection method: clinical testing. Allele origin: germline.

Blueprint Genetics
Classification: Likely benign. Last evaluated: 2020-06-16. Review status: criteria provided, single submitter. Criteria: ACMG Guidelines, 2015. Collection method: clinical testing. Allele origin: germline.

GeneDx
Classification: Likely benign. Last evaluated: 2016-08-29. Review status: criteria provided, single submitter. Criteria: GeneDx Variant Classification (06012015). Collection method: clinical testing. Allele origin: germline. Affected: yes.
Comment: This variant is considered likely benign or benign based on one or more of the following criteria: it is a conservative change, it occurs at a poorly conserved position in the protein, it is predicted to be benign by multiple in silico algorithms, and/or has population frequency not consistent with disease.